The following is an entry in ClinVar:

NM_000217.3(KCNA1):c.1379A>T (p.Asp460Val)

Gene: KCNA1 (potassium voltage-gated channel subfamily A member 1; plus strand). Cytogenetic location: 12p13.32.
Variant type: single nucleotide variant.
Coding change: c.1379A>T on transcript NM_000217.3 (MANE Select); coding-DNA position 1379, A replaced by T.
Protein change: p.Asp460Val; replaces aspartic acid 460 with valine.
Molecular consequence: missense variant.
Genome position (GRCh38, 1-based): chr12:4,912,757, A>T. VCF-style: chr12-4912757-A-T. GRCh37 (hg19) VCF-style: chr12-5021923-A-T.
Other names: short protein forms D460V.
Identifiers: ClinVar variation 5009389 (VCV005009389.1).
Genomic context (GRCh38, chr12:4,912,757, plus strand): 5'-ACCTCAGTCGCCGCAGTTCCTCTACTATGAGCAAGTCTGAGTACATGGAGATCGAAGAGG[A>T]TATGAATAATAGCATAGCCCATTATAGACAGGTCAATATCAGAACTGCCAATTGCACCAC-3'
Protein context (NP_000208.2, residues 450-470): SKSEYMEIEE[Asp460Val]MNNSIAHYRQ

ClinVar aggregate classification (germline): Uncertain significance (1 of 4 stars; one submission).

Submission:

GeneDx
Classification: Uncertain significance. Last evaluated: 2026-03-18. Review status: criteria provided, single submitter. Criteria: GeneDx Variant Classification Process June 2021. Collection method: clinical testing. Allele origin: germline.
Comment: Not observed at significant frequency in large population cohorts (gnomAD); In silico analysis suggests that this missense variant does not alter protein structure/function; Has not been previously published as pathogenic or benign to our knowledge